The following is an entry in ClinVar:

NM_182914.3(SYNE2):c.7816G>T (p.Gly2606Cys)

Gene: SYNE2 (spectrin repeat containing nuclear envelope protein 2; plus strand). Cytogenetic location: 14q23.2.
Variant type: single nucleotide variant.
Coding change: c.7816G>T on transcript NM_182914.3 (MANE Select); coding-DNA position 7816, G replaced by T.
Protein change: p.Gly2606Cys; replaces glycine 2606 with cysteine.
Molecular consequence: missense variant.
Genome position (GRCh38, 1-based): chr14:64,051,729, G>T. VCF-style: chr14-64051729-G-T. GRCh37 (hg19) VCF-style: chr14-64518447-G-T.
Other names: c.7816G>T, p.Gly2606Cys (NM_015180.6); short protein forms G2606C.
Identifiers: ClinVar variation 952431 (VCV000952431.1), dbSNP rs201069405, ClinGen allele CA389961553.

ClinVar aggregate classification (germline): Uncertain significance (1 of 4 stars; one submission).

Conditions:
Emery-Dreifuss muscular dystrophy 5, autosomal dominant (EDMD5). Also called: EMERY-DREIFUSS MUSCULAR DYSTROPHY 5. Identifiers: Orphanet 261, MedGen C2751805, MONDO:0013072, OMIM 612999.

Submission:

Labcorp Genetics (formerly Invitae), Labcorp
Classification: Uncertain significance for Emery-Dreifuss muscular dystrophy 5, autosomal dominant. Last evaluated: 2019-05-17. Review status: criteria provided, single submitter. Criteria: Invitae Variant Classification Sherloc (09022015). Collection method: clinical testing. Allele origin: germline.
Comment: This sequence change replaces glycine with cysteine at codon 2606 of the SYNE2 protein (p.Gly2606Cys). The glycine residue is weakly conserved and there is a large physicochemical difference between glycine and cysteine. This variant is not present in population databases (ExAC no frequency). This variant has not been reported in the literature in individuals with SYNE2-related conditions. Algorithms developed to predict the effect of missense changes on protein structure and function output the following: SIFT: "Tolerated"; PolyPhen-2: "Probably Damaging"; Align-GVGD: "Class C0". The cysteine amino acid residue is found in multiple mammalian species, suggesting that this missense change does not adversely affect protein function. These predictions have not been confirmed by published functional studies and their clinical significance is uncertain. In summary, the available evidence is currently insufficient to determine the role of this variant in disease. Therefore, it has been classified as a Variant of Uncertain Significance.